The following is an entry in ClinVar:

NM_000451.4(SHOX):c.400C>T (p.Arg134Ter)

Genes: SHOX (SHOX homeobox; plus strand), LOC107652445 (meiotic recombination hotspot SHOX; plus strand). Cytogenetic location: Xp22.33.
Variant type: single nucleotide variant.
Coding change: c.400C>T on transcript NM_000451.4 (MANE Select); coding-DNA position 400, C replaced by T.
Protein change: p.Arg134Ter; replaces arginine 134 with a stop codon.
Molecular consequence: nonsense.
Genome position (GRCh38, 1-based): chrX:634,740, C>T. VCF-style: chrX-634740-C-T. GRCh37 (hg19) VCF-style: chrX-595475-C-T.
Other names: c.400C>T, p.Arg134Ter (NM_006883.2); short protein forms R134*.
Identifiers: ClinVar variation 3905571 (VCV003905571.10).

ClinVar aggregate classification (germline): Pathogenic (1 of 4 stars; one submission).

Submission:

CeGaT Center for Human Genetics Tuebingen
Classification: Pathogenic. Last evaluated: 2025-10-01. Review status: criteria provided, single submitter. Criteria: CeGaT Center For Human Genetics Tuebingen Variant Classification Criteria Version 2. Collection method: clinical testing. Allele origin: germline. Affected: yes. Observed: 2 variant alleles.
Comment: SHOX: PVS1, PM2